The following is an entry in ClinVar:

NM_000322.5(PRPH2):c.584G>A (p.Arg195Gln)

Gene: PRPH2 (peripherin 2; minus strand). Cytogenetic location: 6p21.1.
Variant type: single nucleotide variant.
Coding change: c.584G>A on transcript NM_000322.5 (MANE Select); coding-DNA position 584, G replaced by A.
Protein change: p.Arg195Gln; replaces arginine 195 with glutamine.
Molecular consequence: missense variant.
Genome position (GRCh38, 1-based): chr6:42,704,609, C>T on the plus strand (G>A on the coding strand, the complement: PRPH2 is on the minus strand). VCF-style: chr6-42704609-C-T. GRCh37 (hg19) VCF-style: chr6-42672347-C-T.
Other names: short protein forms R195Q.
Identifiers: ClinVar variation 623212 (VCV000623212.16), dbSNP rs121918567, ClinGen allele CA364135876.

ClinVar aggregate classification (germline): Pathogenic/Likely pathogenic. Review status: criteria provided, multiple submitters, no conflicts (2 of 4 stars). 7 submissions from 7 submitters: Pathogenic (3); Likely pathogenic (3). 1 of the submissions does not count toward it. Last evaluated 2024-05-06.

Conditions:
Cone-rod dystrophy. Also called: Cone/cone-rod dystrophy; Cone-rod degeneration. Identifiers: Orphanet 1872, MedGen C4085590, MONDO:0015993, HP:0000548.
Patterned dystrophy of the retinal pigment epithelium (MDPT1). Identifiers: Orphanet 63454, MedGen C1868569, MONDO:0018973.
Patterned macular dystrophy 1. Also called: BUTTERFLY DYSTROPHY OF RETINAL PIGMENT EPITHELIUM; MACULAR DYSTROPHY, BUTTERFLY-SHAPED PIGMENTARY. Identifiers: Orphanet 99001, MedGen C4551999, MONDO:0008210, OMIM 169150.
PRPH2-related disorder. Also called: PRPH2-related condition; PRPH2-related disorders. Identifiers: MedGen CN239395.
Retinal dystrophy. Also called: Inherited retinal dystrophy. Identifiers: Orphanet 71862, MedGen C0854723, MeSH D058499, MONDO:0019118, HP:0000556.

Allele frequency attached by ClinVar (database versions not stated): TOPMed below 0.00001.

Submissions (7):

Labcorp Genetics (formerly Invitae), Labcorp
Classification: Pathogenic for PRPH2-related disorder. Last evaluated: 2024-05-06. Review status: criteria provided, single submitter. Criteria: Invitae Variant Classification Sherloc (09022015). Collection method: clinical testing. Allele origin: germline.
Comment: This sequence change replaces arginine, which is basic and polar, with glutamine, which is neutral and polar, at codon 195 of the PRPH2 protein (p.Arg195Gln). This variant is not present in population databases (gnomAD no frequency). This missense change has been observed in individual(s) with autosomal dominant PRPH2-related conditions (PMID: 25082885, 30726412, 30926958; Invitae). ClinVar contains an entry for this variant (Variation ID: 623212). An algorithm developed to predict the effect of missense changes on protein structure and function (PolyPhen-2) suggests that this variant is likely to be disruptive. This variant disrupts the p.Arg195 amino acid residue in PRPH2. Other variant(s) that disrupt this residue have been determined to be pathogenic (PMID: 14557183, 20213611, 26796962). This suggests that this residue is clinically significant, and that variants that disrupt this residue are likely to be disease-causing. For these reasons, this variant has been classified as Pathogenic.

Blueprint Genetics
Classification: Pathogenic for PRPH2-related disorders. Last evaluated: 2023-05-04. Review status: criteria provided, single submitter. Criteria: ACMG Guidelines, 2015. Collection method: clinical testing. Allele origin: germline. Affected: yes. Observed: 5 variant alleles.

NEI Ophthalmic Genomics Laboratory, National Institutes of Health
Classification: Likely pathogenic for Patterned dystrophy of the retinal pigment epithelium. Last evaluated: 2020-01-07. Review status: criteria provided, single submitter. Criteria: ACMG Guidelines, 2015. Collection method: clinical testing. Allele origin: germline. Affected: yes.
Comment: The variant NM_000322.4:c.584G>A in the PRPH2 gene has been previously studied(PMID 25082885). This variant is listed in dbSNP and/or HGMD (CM149326). It is absent in gnomAD browser. It is not enriched in the PRPH2 disease cohort. We invoked ACMG criteria [PM1, PM2, PM5, PP3, PP5] and classified NM_000322.4:c.584G>A in the PRPH2 gene as a Likely Pathogenic mutation.

Mendelics
Classification: Pathogenic for Patterned macular dystrophy 1. Last evaluated: 2019-05-28. Review status: criteria provided, single submitter. Criteria: Mendelics Assertion Criteria 2017. Collection method: clinical testing. Allele origin: unknown.

Molecular Diagnostics Laboratory, M Health Fairview: University of Minnesota
Classification: Likely pathogenic for Cone Rod Dystrophy. Last evaluated: 2017-07-13. Review status: criteria provided, single submitter. Criteria: ACMG Guidelines, 2015. Collection method: clinical testing. Allele origin: germline. Affected: yes. Observed: 1 variant allele.

Institute of Human Genetics, Univ. Regensburg, Univ. Regensburg
Classification: Likely pathogenic for Retinal dystrophy. Last evaluated: 2014-01-01. Review status: criteria provided, single submitter. Criteria: ACMG Guidelines, 2015. Collection method: clinical testing. Allele origin: germline. Affected: yes.

Leiden Open Variation Database
Classification: Likely pathogenic. Last evaluated: 2021-04-06. Review status: no assertion criteria provided. Collection method: curation. Allele origin: germline. Affected: yes. Not counted in ClinVar's aggregate classification.
Comment: Curator: Global Variome, with Curator vacancy. Submitter to LOVD: Manon Peeters.

Literature cited by the submitters: PubMed 25082885 (cited by 3 submitters); PubMed 30726412 (cited by Labcorp Genetics (formerly Invitae), Labcorp and Leiden Open Variation Database); PubMed 30926958 (cited by 3 submitters); PubMed 14557183 (cited by Labcorp Genetics (formerly Invitae), Labcorp and Molecular Diagnostics Laboratory, M Health Fairview: University of Minnesota); PubMed 20213611 (cited by Labcorp Genetics (formerly Invitae), Labcorp); PubMed 26796962 (cited by Labcorp Genetics (formerly Invitae), Labcorp); PubMed 15779916 (cited by Molecular Diagnostics Laboratory, M Health Fairview: University of Minnesota); PubMed 22183351 (cited by Molecular Diagnostics Laboratory, M Health Fairview: University of Minnesota); PubMed 34411390 (cited by Institute of Human Genetics, Univ. Regensburg, Univ. Regensburg); PubMed 37047703 (cited by Institute of Human Genetics, Univ. Regensburg, Univ. Regensburg); PubMed 32531846 (cited by Leiden Open Variation Database).